The following is an entry in ClinVar:

NM_015346.4(ZFYVE26):c.4884C>A (p.His1628Gln)

Gene: ZFYVE26 (zinc finger FYVE-type containing 26; minus strand). Cytogenetic location: 14q24.1.
Variant type: single nucleotide variant.
Coding change: c.4884C>A on transcript NM_015346.4 (MANE Select); coding-DNA position 4884, C replaced by A.
Protein change: p.His1628Gln; replaces histidine 1628 with glutamine.
Molecular consequence: missense variant.
Genome position (GRCh38, 1-based): chr14:67,777,649, G>T on the plus strand (C>A on the coding strand, the complement: ZFYVE26 is on the minus strand). VCF-style: chr14-67777649-G-T. GRCh37 (hg19) VCF-style: chr14-68244366-G-T.
Other names: short protein forms H1628Q.
Identifiers: ClinVar variation 1306395 (VCV001306395.5), dbSNP rs764247596, ClinGen allele CA7239647.

ClinVar aggregate classification (germline): Uncertain significance. Review status: criteria provided, multiple submitters, no conflicts (2 of 4 stars). 2 submissions from 2 submitters: Uncertain significance (2). Last evaluated 2024-10-24.

Conditions:
Inborn genetic diseases. Identifiers: MedGen C0950123, MeSH D030342.

Allele frequency attached by ClinVar (database versions not stated): gnomAD exomes 0.00001 and 0.00002; ExAC 0.00002; gnomAD 0.00013 and 0.00014.
gnomAD v4.1: 31 of 1,614,062 alleles (0.0019%); highest among the groups gnomAD compares: African/African-American, 0.04%; no homozygotes.

Submissions (2):

GeneDx
Classification: Uncertain significance. Last evaluated: 2024-10-24. Review status: criteria provided, single submitter. Criteria: GeneDx Variant Classification Process June 2021. Collection method: clinical testing. Allele origin: germline. Affected: yes.
Comment: In silico analysis indicates that this missense variant does not alter protein structure/function; Has not been previously published as pathogenic or benign to our knowledge

Ambry Genetics
Classification: Uncertain significance for Inborn genetic diseases. Last evaluated: 2023-12-18. Review status: criteria provided, single submitter. Criteria: Ambry Variant Classification Scheme 2023. Collection method: clinical testing. Allele origin: germline.